The following is an entry in ClinVar:

ClinVar aggregate classification (germline): Uncertain significance. Review status: criteria provided, multiple submitters, no conflicts (2 of 4 stars). 3 submissions from 3 submitters: Uncertain significance (3). Last evaluated 2023-10-09.

Conditions:
Inborn genetic diseases. Identifiers: MedGen C0950123, MeSH D030342.

Allele frequency attached by ClinVar (database versions not stated): gnomAD exomes 0.00002 and 0.00007; ExAC 0.00014; ESP Exome Variant Server 0.00015; gnomAD 0.00018 and 0.00020; TOPMed 0.00020; 1000 Genomes Project 0.00040; 1000 Genomes Project 30x 0.00047.
gnomAD v4.1: 55 of 1,610,640 alleles (0.0034%); highest among the groups gnomAD compares: African/African-American, 0.053%; no homozygotes.

Submissions (3):

Labcorp Genetics (formerly Invitae), Labcorp
Classification: Uncertain significance. Last evaluated: 2023-10-09. Review status: criteria provided, single submitter. Criteria: Invitae Variant Classification Sherloc (09022015). Collection method: clinical testing. Allele origin: germline.
Comment: This sequence change replaces proline, which is neutral and non-polar, with leucine, which is neutral and non-polar, at codon 1533 of the HSPG2 protein (p.Pro1533Leu). This variant is present in population databases (rs367842568, gnomAD 0.07%). This variant has not been reported in the literature in individuals affected with HSPG2-related conditions. ClinVar contains an entry for this variant (Variation ID: 439803). An algorithm developed to predict the effect of missense changes on protein structure and function (PolyPhen-2) suggests that this variant is likely to be disruptive. In summary, the available evidence is currently insufficient to determine the role of this variant in disease. Therefore, it has been classified as a Variant of Uncertain Significance.

Ambry Genetics
Classification: Uncertain significance for Inborn genetic diseases. Last evaluated: 2023-06-16. Review status: criteria provided, single submitter. Criteria: Ambry Variant Classification Scheme 2023. Collection method: clinical testing. Allele origin: germline.

ARUP Laboratories, Molecular Genetics and Genomics, ARUP Laboratories
Classification: Uncertain significance. Last evaluated: 2017-12-28. Review status: criteria provided, single submitter. Criteria: ARUP Molecular Germline Variant Investigation Process. Collection method: clinical testing. Allele origin: germline.
Comment: The p.Pro1533Leu variant is listed in the Genome Aggregation Database (gnomAD) browser with an allele frequency of 0.07% in the African population (identified in 16 out of 22,474 chromosomes), and is listed in the ClinVar database (Variant ID: 439803). The proline at position 1533 is highly conserved considering 12 species up to C. elegans (Alamut v.2.8.1), and computational analyses predict that this variant does affect the structure/function of the HSPG2 protein (SIFT: damaging], PolyPhen2: probably damaging, MutationTaster: disease causing). Based on the available information, the clinical significance of the HSPG2 variant cannot be determined with certainty.

NM_005529.7(HSPG2):c.4598C>T (p.Pro1533Leu)

Gene: HSPG2 (heparan sulfate proteoglycan 2; minus strand). Cytogenetic location: 1p36.12.
Variant type: single nucleotide variant.
Coding change: c.4598C>T on transcript NM_005529.7 (MANE Select); coding-DNA position 4598, C replaced by T.
Protein change: p.Pro1533Leu; replaces proline 1533 with leucine.
Molecular consequence: missense variant.
Genome position (GRCh38, 1-based): chr1:21,864,871, G>A on the plus strand (C>T on the coding strand, the complement: HSPG2 is on the minus strand). VCF-style: chr1-21864871-G-A. GRCh37 (hg19) VCF-style: chr1-22191364-G-A.
Other names: c.4601C>T, p.Pro1534Leu (NM_001291860.2); c.4598C>T (NM_005529.5); short protein forms P1533L, P1534L.
Identifiers: ClinVar variation 439803 (VCV000439803.18), dbSNP rs367842568, ClinGen allele CA672220.
Genomic context (GRCh38, chr1:21,864,871, plus strand): 5'-TGCAGAGGTGGTGGAGCTGGCCACACACTCACCTGGCAGGACAGACCGATGTAGCCTGGC[G>A]GGCAGCGGCACTCCTCCACCTCGAGGGCGCGGGGTCTGTTTGAGGGCCCCGGCTGGGCGA-3'
Protein context (NP_005520.4, residues 1523-1543): RALEVEECRC[Pro1533Leu]PGYIGLSCQD